The following is an entry in ClinVar:

NM_182894.3(VSX2):c.1086G>C (p.Ter362Tyr)

Gene: VSX2 (visual system homeobox 2; plus strand). Cytogenetic location: 14q24.3.
Variant type: single nucleotide variant.
Coding change: c.1086G>C on transcript NM_182894.3 (MANE Select); coding-DNA position 1086, G replaced by C.
Protein change: p.Ter362Tyr.
Molecular consequence: stop lost.
Genome position (GRCh38, 1-based): chr14:74,260,919, G>C. VCF-style: chr14-74260919-G-C. GRCh37 (hg19) VCF-style: chr14-74727622-G-C.
Identifiers: ClinVar variation 4817007 (VCV004817007.1).

ClinVar aggregate classification (germline): Likely pathogenic (1 of 4 stars; one submission).

Conditions:
Microphthalmia. Also called: Microphthalmos. Identifiers: MedGen C0026010, MONDO:0021129, HP:0000568.

gnomAD v4.1: 11 of 1,555,606 alleles (0.00071%); highest among the groups gnomAD compares: Non-Finnish European, 0.00096%; no homozygotes.

Submission:

Natera, Inc.
Classification: Likely pathogenic for Microphthalmia. Last evaluated: 2025-09-15. Review status: criteria provided, single submitter. Criteria: Natera Variant Classification Schema (03/2026). Collection method: clinical testing. Allele origin: germline.
Comment: The c.1086G>C variant in VSX2 is a stop-loss variant predicted to disrupt the normal termination codon and extend translation beyond the canonical stop site. This variant is rare in the general population with a frequency below the threshold expected for the associated phenotype(s). Given the available evidence, this variant is classified as Likely Pathogenic.